The following is an entry in ClinVar:

ClinVar aggregate classification (germline): Uncertain significance. Review status: criteria provided, multiple submitters, no conflicts (2 of 4 stars). 2 submissions from 2 submitters: Uncertain significance (2). Last evaluated 2023-05-02.

Conditions:
Hereditary cancer-predisposing syndrome. Also called: Neoplastic Syndromes, Hereditary; Hereditary neoplastic syndrome; Hereditary Cancer Syndrome; Tumor predisposition. Identifiers: Orphanet 140162, MedGen C0027672, MeSH D009386, MONDO:0015356.
Cardiovascular phenotype. Identifiers: MedGen CN230736.
Neurofibromatosis, type 1 (NF1). Also called: Peripheral type neurofibromatosis; Neurofibromatosis, type I; VON RECKLINGHAUSEN DISEASE; NEUROFIBROMATOSIS, TYPE I, SOMATIC. Identifiers: Orphanet 636, MedGen C0027831, MONDO:0018975, OMIM 162200. Disease mechanism: loss of function.

Submissions (2):

Ambry Genetics
Classification: Uncertain significance for Cardiovascular phenotype; Hereditary cancer-predisposing syndrome. Last evaluated: 2023-05-02. Review status: criteria provided, single submitter. Criteria: Ambry Variant Classification Scheme 2023. Collection method: clinical testing. Allele origin: germline.
Comment: The p.S2475F variant (also known as c.7424C>T), located in coding exon 50 of the NF1 gene, results from a C to T substitution at nucleotide position 7424. The serine at codon 2475 is replaced by phenylalanine, an amino acid with highly dissimilar properties. This amino acid position is highly conserved in available vertebrate species. In addition, the in silico prediction for this alteration is inconclusive. Since supporting evidence is limited at this time, the clinical significance of this alteration remains unclear.

Labcorp Genetics (formerly Invitae), Labcorp
Classification: Uncertain significance for Neurofibromatosis, type 1. Last evaluated: 2021-09-10. Review status: criteria provided, single submitter. Criteria: Invitae Variant Classification Sherloc (09022015). Collection method: clinical testing. Allele origin: germline.
Comment: This sequence change replaces serine with phenylalanine at codon 2475 of the NF1 protein (p.Ser2475Phe). The serine residue is moderately conserved and there is a large physicochemical difference between serine and phenylalanine. This variant is not present in population databases (ExAC no frequency). This variant has not been reported in the literature in individuals affected with NF1-related conditions. Algorithms developed to predict the effect of missense changes on protein structure and function are either unavailable or do not agree on the potential impact of this missense change (SIFT: "Deleterious"; PolyPhen-2: "Probably Damaging"; Align-GVGD: "Class C0"). In summary, the available evidence is currently insufficient to determine the role of this variant in disease. Therefore, it has been classified as a Variant of Uncertain Significance.

NM_001042492.3(NF1):c.7487C>T (p.Ser2496Phe)

Gene: NF1 (neurofibromin 1; plus strand). Cytogenetic location: 17q11.2.
Variant type: single nucleotide variant.
Coding change: c.7487C>T on transcript NM_001042492.3 (MANE Select); coding-DNA position 7487, C replaced by T.
Protein change: p.Ser2496Phe; replaces serine 2496 with phenylalanine.
Molecular consequence: missense variant.
Genome position (GRCh38, 1-based): chr17:31,352,286, C>T. VCF-style: chr17-31352286-C-T. GRCh37 (hg19) VCF-style: chr17-29679304-C-T.
Other names: c.7424C>T, p.Ser2475Phe (NM_000267.4); short protein forms S2475F, S2496F.
Identifiers: ClinVar variation 947131 (VCV000947131.9), dbSNP rs371773406, ClinGen allele CA399017494.
Genomic context (GRCh38, chr17:31,352,286, plus strand): 5'-TTGATTTTTCTCTATTGTTTTCATCTTTCAGGACACTAAAGGAGACTCAGCCATGGTCCT[C>T]TCCCAAAGGTTCTGAAGGATACCTTGCAGCCACCTATCCAACTGTCGGCCAGACCAGTCC-3'
Protein context (NP_001035957.1, residues 2486-2506): RTLKETQPWS[Ser2496Phe]PKGSEGYLAA